The following is an entry in ClinVar:

NM_000257.4(MYH7):c.1805A>G (p.Asn602Ser)

Gene: MYH7 (myosin heavy chain 7; minus strand). Cytogenetic location: 14q11.2.
Variant type: single nucleotide variant.
Coding change: c.1805A>G on transcript NM_000257.4 (MANE Select); coding-DNA position 1805, A replaced by G.
Protein change: p.Asn602Ser; replaces asparagine 602 with serine.
Molecular consequence: missense variant.
Genome position (GRCh38, 1-based): chr14:23,427,668, T>C on the plus strand (A>G on the coding strand, the complement: MYH7 is on the minus strand). VCF-style: chr14-23427668-T-C. GRCh37 (hg19) VCF-style: chr14-23896877-T-C.
Other names: p.N602S:AAT>AGT; c.1805A>G (LRG_384t1); short protein forms N602S.
Identifiers: ClinVar variation 181354 (VCV000181354.22), dbSNP rs730880880, ClinGen allele CA011293.

ClinVar aggregate classification (germline): Pathogenic/Likely pathogenic. Review status: criteria provided, multiple submitters, no conflicts (2 of 4 stars). 5 submissions from 5 submitters: Pathogenic (2); Likely pathogenic (2). 1 of the submissions does not count toward it. Last evaluated 2026-06-15.

Conditions:
Cardiovascular phenotype. Identifiers: MedGen CN230736.
Hypertrophic cardiomyopathy. Also called: HYPERTROPHIC MYOCARDIOPATHY. Identifiers: Orphanet 217569, MedGen C0007194, MeSH D002312, MONDO:0005045, HP:0001639.

Allele frequency attached by ClinVar (database versions not stated): TOPMed below 0.00001; gnomAD exomes below 0.00001.
gnomAD v4.1: 1 of 1,614,142 alleles (0.000062%); highest among the groups gnomAD compares: Admixed American, 0.0017%; no homozygotes.

Submissions (5):

Ambry Genetics
Classification: Likely pathogenic for Cardiovascular phenotype. Last evaluated: 2026-06-15. Review status: criteria provided, single submitter. Criteria: Ambry Variant Classification Scheme 2023. Collection method: clinical testing. Allele origin: germline.
Comment: The p.N602S variant (also known as c.1805A>G), located in coding exon 14 of the MYH7 gene, results from an A to G substitution at nucleotide position 1805. The asparagine at codon 602 is replaced by serine, an amino acid with highly similar properties. This variant has been reported in multiple individuals with features consistent with hypertrophic cardiomyopathy (Marian AJ et al. Circulation, 1995 Sep;92:1336-47; Page SP et al. Circ Cardiovasc Genet, 2012 Apr;5:156-66; Wang J et al. Eur J Heart Fail, 2014 Sep;16:950-7; Harper AR et al. Nat Genet, 2021 02;53:135-142; external communication; Ambry internal data). This variant is located in the myosin head domain, which contains a statistically significant clustering of pathogenic missense variants (Homburger JR et al. Proc Natl Acad Sci U S A, 2016 06;113:6701-6; Walsh R et al. Genet Med, 2017 02;19:192-203; Ambry internal data). This amino acid position is highly conserved in available vertebrate species. In addition, this alteration is predicted to be tolerated by in silico analysis. Based on the majority of available evidence to date, this variant is likely to be pathogenic.

Labcorp Genetics (formerly Invitae), Labcorp
Classification: Pathogenic for Hypertrophic cardiomyopathy. Last evaluated: 2025-08-25. Review status: criteria provided, single submitter. Criteria: Invitae Variant Classification Sherloc (09022015). Collection method: clinical testing. Allele origin: germline.
Comment: This sequence change replaces asparagine, which is neutral and polar, with serine, which is neutral and polar, at codon 602 of the MYH7 protein (p.Asn602Ser). This variant is present in population databases (rs730880880, gnomAD 0.003%). This missense change has been observed in individuals with clinical features of hypertrophic cardiomyopathy (internal data). ClinVar contains an entry for this variant (Variation ID: 181354). Invitae Evidence Modeling of protein sequence and biophysical properties (such as structural, functional, and spatial information, amino acid conservation, physicochemical variation, residue mobility, and thermodynamic stability) indicates that this missense variant is expected to disrupt MYH7 protein function with a positive predictive value of 95%. For these reasons, this variant has been classified as Pathogenic.

Lildballe Lab, Aarhus University Hospital
Classification: Pathogenic for Hypertrophic cardiomyopathy. Last evaluated: 2024-03-01. Review status: criteria provided, single submitter. Criteria: ACMG Guidelines, 2015. Collection method: research. Allele origin: germline. Affected: yes.
Comment: PS4(s), PM1(m), PM2(sup), PP3(sup),

GeneDx
Classification: Likely pathogenic. Last evaluated: 2023-05-26. Review status: criteria provided, single submitter. Criteria: GeneDx Variant Classification Process June 2021. Collection method: clinical testing. Allele origin: germline. Affected: yes.
Comment: Observed in individuals with HCM in the published literature, including one individual that also harbored a pathogenic variant in another HCM-related gene (Marian et al., 1995; Page et al., 2012) and in patients with HCM referred for genetic testing at GeneDx; Not observed at significant frequency in large population cohorts (gnomAD); In silico analysis supports that this missense variant has a deleterious effect on protein structure/function; This variant is associated with the following publications: (PMID: 7648684, 22267749, 33495597, 25132132, 27532257, 29300372)

Revvity Omics, Revvity
Classification: Uncertain significance. Last evaluated: 2022-12-16. Review status: flagged submission. Criteria: ACMG Guidelines, 2015. Collection method: clinical testing. Allele origin: germline. Not counted in ClinVar's aggregate classification.
ClinVar note: Reason: Outlier claim with insufficient supporting evidence

Literature cited by the submitters: PubMed 22267749 (cited by Ambry Genetics); PubMed 25132132 (cited by Ambry Genetics); PubMed 33495597 (cited by Ambry Genetics); PubMed 7648684 (cited by Ambry Genetics); PubMed 25741893 (cited by Lildballe Lab, Aarhus University Hospital); PubMed 39481677 (cited by Lildballe Lab, Aarhus University Hospital).